The following is an entry in ClinVar:

NM_178857.6(RP1L1):c.1739G>A (p.Ser580Asn)

Gene: RP1L1 (RP1 like 1). Cytogenetic location: 8p23.1.
Variant type: single nucleotide variant.
Coding change: c.1739G>A on transcript NM_178857.6 (MANE Select); coding-DNA position 1739, G replaced by A.
Protein change: p.Ser580Asn; replaces serine 580 with asparagine.
Molecular consequence: missense variant.
Genome position (GRCh38, 1-based): chr8:10,612,359, C>T on the plus strand (G>A on the coding strand, the complement: RP1L1 is on the minus strand). VCF-style: chr8-10612359-C-T. GRCh37 (hg19) VCF-style: chr8-10469869-C-T.
Other names: short protein forms S580N.
Identifiers: ClinVar variation 4686316 (VCV004686316.1).

ClinVar aggregate classification (germline): Uncertain significance (1 of 4 stars; one submission).

gnomAD v4.1: 3 of 1,613,128 alleles (0.00019%); highest among the groups gnomAD compares: Non-Finnish European, 0.00025%; no homozygotes.

Submission:

GeneDx
Classification: Uncertain significance. Last evaluated: 2025-07-17. Review status: criteria provided, single submitter. Criteria: GeneDx Variant Classification Process June 2021. Collection method: clinical testing. Allele origin: germline. Affected: yes.
Comment: In silico analysis suggests that this missense variant does not alter protein structure/function; Has not been previously published as pathogenic or benign to our knowledge